The following is an entry in ClinVar:

NM_198576.4(AGRN):c.5173A>G (p.Thr1725Ala)

Genes: AGRN (agrin; plus strand), LOC129929078 (ATAC-STARR-seq lymphoblastoid silent region 24; plus strand). Cytogenetic location: 1p36.33.
Variant type: single nucleotide variant.
Coding change: c.5173A>G on transcript NM_198576.4 (MANE Select); coding-DNA position 5173, A replaced by G.
Protein change: p.Thr1725Ala; replaces threonine 1725 with alanine.
Molecular consequence: missense variant.
Genome position (GRCh38, 1-based): chr1:1,050,757, A>G. VCF-style: chr1-1050757-A-G. GRCh37 (hg19) VCF-style: chr1-986137-A-G.
Other names: c.5173A>G, p.Thr1725Ala (NM_001305275.2); c.4858A>G, p.Thr1620Ala (NM_001364727.2); short protein forms T1725A, T1620A.
Identifiers: ClinVar variation 945891 (VCV000945891.10), dbSNP rs1222963458, ClinGen allele CA337780969.

ClinVar aggregate classification (germline): Uncertain significance (1 of 4 stars; one submission).

Conditions:
Congenital myasthenic syndrome 8. Also called: MYASTHENIC SYNDROME, CONGENITAL, DUE TO AGRIN DEFICIENCY; Myasthenic syndrome, congenital, 8, with pre- and postsynaptic defects. Identifiers: Orphanet 590, MedGen C3808739, MONDO:0014052, OMIM 615120.

Allele frequency attached by ClinVar (database versions not stated): gnomAD exomes below 0.00001; TOPMed below 0.00001; gnomAD 0.00001.
gnomAD v4.1: 2 of 1,603,654 alleles (0.00012%); highest among the groups gnomAD compares: African/African-American, 0.0013%; no homozygotes.

Submission:

Labcorp Genetics (formerly Invitae), Labcorp
Classification: Uncertain significance for Congenital myasthenic syndrome 8. Last evaluated: 2022-08-09. Review status: criteria provided, single submitter. Criteria: Invitae Variant Classification Sherloc (09022015). Collection method: clinical testing. Allele origin: germline.
Comment: In summary, the available evidence is currently insufficient to determine the role of this variant in disease. Therefore, it has been classified as a Variant of Uncertain Significance. Algorithms developed to predict the effect of missense changes on protein structure and function are either unavailable or do not agree on the potential impact of this missense change (SIFT: "Tolerated"; PolyPhen-2: "Possibly Damaging"; Align-GVGD: "Class C0"). ClinVar contains an entry for this variant (Variation ID: 945891). This variant has not been reported in the literature in individuals affected with AGRN-related conditions. This variant is not present in population databases (gnomAD no frequency). This sequence change replaces threonine, which is neutral and polar, with alanine, which is neutral and non-polar, at codon 1725 of the AGRN protein (p.Thr1725Ala).